The following is an entry in ClinVar:

NM_001376.5(DYNC1H1):c.12902+35G>A

Gene: DYNC1H1 (dynein cytoplasmic 1 heavy chain 1; plus strand). Cytogenetic location: 14q32.31.
Variant type: single nucleotide variant.
Coding change: c.12902+35G>A on transcript NM_001376.5 (MANE Select); 35 bases into the intron after coding-DNA position 12902, G replaced by A.
Molecular consequence: intron variant.
Genome position (GRCh38, 1-based): chr14:102,044,526, G>A. VCF-style: chr14-102044526-G-A. GRCh37 (hg19) VCF-style: chr14-102510863-G-A.
Identifiers: ClinVar variation 675844 (VCV000675844.2), dbSNP rs17512884, ClinGen allele CA7354066.
Genomic context (GRCh38, chr14:102,044,526, plus strand): 5'-GACATTCAAATGCCAGATGGCATCAGGTATGCTGCTGCCTGCTGGAATGGAGACAGTTGT[G>A]ATGTCAGGGCGTCTGGTGTCACTCAGAGGTGACCCCTGACATCATTTCCAAATGCACTGG-3'

ClinVar aggregate classification (germline): Benign. Review status: criteria provided, multiple submitters, no conflicts (2 of 4 stars). 2 submissions from 2 submitters: Benign (2). Last evaluated 2018-06-14.

Allele frequency attached by ClinVar (database versions not stated): 1000 Genomes Project 0.05431; 1000 Genomes Project 30x 0.05481; TOPMed 0.05615; gnomAD 0.06024 and 0.06134; ESP Exome Variant Server 0.06182; gnomAD exomes 0.06542 and 0.06864; ExAC 0.06647.
gnomAD v4.1: 109,506 of 1,614,108 alleles (6.8%); highest among the groups gnomAD compares: South Asian, 9.5%; 4,006 homozygotes.

Submissions (2):

GeneDx
Classification: Benign. Last evaluated: 2018-06-14. Review status: criteria provided, single submitter. Criteria: GeneDx Variant Classification (06012015). Collection method: clinical testing. Allele origin: germline. Affected: yes.
Comment: This variant is considered likely benign or benign based on one or more of the following criteria: it is a conservative change, it occurs at a poorly conserved position in the protein, it is predicted to be benign by multiple in silico algorithms, and/or has population frequency not consistent with disease.

Breakthrough Genomics
Classification: Benign. Review status: criteria provided, single submitter. Criteria: ACMG Guidelines, 2015. Collection method: not provided. Allele origin: germline. Inheritance: Autosomal dominant inheritance. Affected: yes.